The following is an entry in ClinVar:

ClinVar aggregate classification (germline): Likely benign (1 of 4 stars; one submission).

Allele frequency attached by ClinVar (database versions not stated): ExAC 0.00111; 1000 Genomes Project 0.00140; gnomAD 0.00152; 1000 Genomes Project 30x 0.00156; TOPMed 0.00167; ESP Exome Variant Server 0.00177; gnomAD exomes 0.00185.
gnomAD v4.1: 2,913 of 1,612,326 alleles (0.18%); highest among the groups gnomAD compares: Admixed American, 0.25%; 4 homozygotes.

Submission:

CeGaT Center for Human Genetics Tuebingen
Classification: Likely benign. Last evaluated: 2023-01-01. Review status: criteria provided, single submitter. Criteria: CeGaT Center For Human Genetics Tuebingen Variant Classification Criteria Version 2. Collection method: clinical testing. Allele origin: germline. Affected: yes. Observed: 1 variant allele.
Comment: GTF3C4: BP4, BP7

NM_012204.4(GTF3C4):c.270G>A (p.Glu90=)

Gene: GTF3C4 (general transcription factor IIIC subunit 4; plus strand). Cytogenetic location: 9q34.13.
Variant type: single nucleotide variant.
Coding change: c.270G>A on transcript NM_012204.4 (MANE Select); coding-DNA position 270, G replaced by A.
Protein change: p.Glu90=; no amino-acid change (glutamic acid 90 retained).
Molecular consequence: synonymous variant. On other transcripts: non-coding transcript variant (1).
Genome position (GRCh38, 1-based): chr9:132,670,868, G>A. VCF-style: chr9-132670868-G-A. GRCh37 (hg19) VCF-style: chr9-135546255-G-A.
Identifiers: ClinVar variation 2659659 (VCV002659659.24), dbSNP rs140834695, ClinGen allele CA5300597.